The following is an entry in ClinVar:

ClinVar aggregate classification (germline): Uncertain significance (1 of 4 stars; one submission).

Conditions:
Autosomal recessive spinocerebellar ataxia 12. Also called: SPINOCEREBELLAR ATAXIA WITH MENTAL RETARDATION AND EPILEPSY. Identifiers: Orphanet 284282, MedGen C3280452, MONDO:0013687, OMIM 614322.
Developmental and epileptic encephalopathy, 1 (DEE1). Also called: X-linked infantile spasms; West's syndrome; Tonic spasms with clustering, arrest of psychomotor development and hypsarrhythmia on EEG; X-Linked Infantile Spasm Syndrome; OHTAHARA SYNDROME, X-LINKED; Epileptic encephalopathy, early infantile, 1. Identifiers: MedGen C3463992, MONDO:0010632, OMIM 308350. Disease mechanism: loss of function.

gnomAD v4.1: 23 of 1,614,208 alleles (0.0014%); highest among the groups gnomAD compares: Non-Finnish European, 0.0019%; no homozygotes.

Submission:

Labcorp Genetics (formerly Invitae), Labcorp
Classification: Uncertain significance for Developmental and epileptic encephalopathy, 1; Autosomal recessive spinocerebellar ataxia 12. Last evaluated: 2021-09-17. Review status: criteria provided, single submitter. Criteria: Invitae Variant Classification Sherloc (09022015). Collection method: clinical testing. Allele origin: germline.
Comment: This sequence change replaces arginine with proline at codon 381 of the WWOX protein (p.Arg381Pro). The arginine residue is weakly conserved and there is a moderate physicochemical difference between arginine and proline. This variant is not present in population databases (ExAC no frequency). This variant has not been reported in the literature in individuals affected with WWOX-related conditions. Algorithms developed to predict the effect of missense changes on protein structure and function are either unavailable or do not agree on the potential impact of this missense change (SIFT: "Not Available"; PolyPhen-2: "Benign"; Align-GVGD: "Not Available"). In summary, the available evidence is currently insufficient to determine the role of this variant in disease. Therefore, it has been classified as a Variant of Uncertain Significance.

NM_016373.4(WWOX):c.1142G>C (p.Arg381Pro)

Genes: MAF (MAF bZIP transcription factor; minus strand), WWOX (WW domain containing oxidoreductase; plus strand). Cytogenetic location: 16q23.2.
Variant type: single nucleotide variant.
Coding change: c.1142G>C on transcript NM_016373.4 (MANE Select); coding-DNA position 1142, G replaced by C.
Protein change: p.Arg381Pro; replaces arginine 381 with proline.
Molecular consequence: missense variant.
Genome position (GRCh38, 1-based): chr16:79,211,693, G>C. VCF-style: chr16-79211693-G-C. GRCh37 (hg19) VCF-style: chr16-79245590-G-C.
Other names: c.803G>C, p.Arg268Pro (NM_001291997.2); short protein forms R268P, R381P.
Identifiers: ClinVar variation 1474460 (VCV001474460.5), dbSNP rs202002431, ClinGen allele CA396537134.